The following is an entry in ClinVar:

NM_001375524.1(TRRAP):c.8641G>A (p.Val2881Met)

Gene: TRRAP (transformation/transcription domain associated protein; plus strand). Cytogenetic location: 7q22.1.
Variant type: single nucleotide variant.
Coding change: c.8641G>A on transcript NM_001375524.1 (MANE Select); coding-DNA position 8641, G replaced by A.
Protein change: p.Val2881Met; replaces valine 2881 with methionine.
Molecular consequence: missense variant.
Genome position (GRCh38, 1-based): chr7:98,981,775, G>A. VCF-style: chr7-98981775-G-A. GRCh37 (hg19) VCF-style: chr7-98579398-G-A.
Other names: c.8620G>A (NM_001244580.1); c.8620G>A, p.Val2874Met (NM_001244580.2); c.8566G>A, p.Val2856Met (NM_003496.4); short protein forms V2874M, V2881M, V2856M.
Identifiers: ClinVar variation 1991432 (VCV001991432.5), dbSNP rs748558376, ClinGen allele CA4361508.

ClinVar aggregate classification (germline): Uncertain significance. Review status: criteria provided, multiple submitters, no conflicts (2 of 4 stars). 2 submissions from 2 submitters: Uncertain significance (2). Last evaluated 2025-10-02.

Conditions:
Inborn genetic diseases. Identifiers: MedGen C0950123, MeSH D030342.

Allele frequency attached by ClinVar (database versions not stated): ExAC 0.00001; gnomAD 0.00001; gnomAD exomes 0.00001; TOPMed 0.00001.
gnomAD v4.1: 12 of 1,599,938 alleles (0.00075%); highest among the groups gnomAD compares: Non-Finnish European, 0.001%; no homozygotes.

Submissions (2):

Labcorp Genetics (formerly Invitae), Labcorp
Classification: Uncertain significance. Last evaluated: 2025-10-02. Review status: criteria provided, single submitter. Criteria: Invitae Variant Classification Sherloc (09022015). Collection method: clinical testing. Allele origin: germline.
Comment: This sequence change replaces valine, which is neutral and non-polar, with methionine, which is neutral and non-polar, at codon 2856 of the TRRAP protein (p.Val2856Met). The frequency data for this variant in the population databases is considered unreliable, as metrics indicate poor data quality at this position in the gnomAD database. This variant has not been reported in the literature in individuals affected with TRRAP-related conditions. ClinVar contains an entry for this variant (Variation ID: 1991432). Invitae Evidence Modeling of protein sequence and biophysical properties (such as structural, functional, and spatial information, amino acid conservation, physicochemical variation, residue mobility, and thermodynamic stability) indicates that this missense variant is not expected to disrupt TRRAP protein function with a negative predictive value of 80%. In summary, the available evidence is currently insufficient to determine the role of this variant in disease. Therefore, it has been classified as a Variant of Uncertain Significance.

Ambry Genetics
Classification: Uncertain significance for Inborn genetic diseases. Last evaluated: 2025-04-03. Review status: criteria provided, single submitter. Criteria: Ambry Variant Classification Scheme 2023. Collection method: clinical testing. Allele origin: germline.